The following is an entry in ClinVar:

ClinVar aggregate classification (germline): Conflicting classifications of pathogenicity. Review status: criteria provided, conflicting classifications (1 of 4 stars). 7 submissions from 7 submitters: Pathogenic (1); Likely pathogenic (4); Uncertain significance (2). Last evaluated 2025-07-01.

Conditions:
Glutaric aciduria, type 1. Also called: Glutaric acidemia type I; Glutaryl-CoA dehydrogenase deficiency; Glutaricaciduria, type I; Glutaricacidemia Type 1; Glutaric Acidemia Type 1; GA I. Identifiers: Orphanet 25, MedGen C0268595, MONDO:0009281, OMIM 231670.
GCDH-related disorder. Also called: GCDH-related condition.

Allele frequency attached by ClinVar (database versions not stated): gnomAD exomes below 0.00001 and 0.00001; TOPMed below 0.00001; ExAC 0.00001; gnomAD 0.00001.
gnomAD v4.1: 13 of 1,613,368 alleles (0.00081%); highest among the groups gnomAD compares: Non-Finnish European, 0.0011%; no homozygotes.

Submissions (7):

PreventionGenetics, part of Exact Sciences
Classification: Likely pathogenic for GCDH-related condition. Last evaluated: 2025-07-01. Review status: criteria provided, single submitter. Criteria: ACMG Guidelines, 2015. Collection method: clinical testing. Allele origin: germline.
Comment: The GCDH c.832C>T variant is predicted to result in the amino acid substitution p.Pro278Ser. This variant has been reported with a second variant in GCDH in individuals with glutaric acidemia type I (Schwartz et al. 1998. PubMed ID: 9600243; Christensen et al. 2004. PubMed ID: 15505393; Supplemental Table 2, Boy et al. 2018. PubMed ID: 29665094). In vitro experimental studies have shown moderate increase in protein degradation but not shown significant impact on protein expression and conformation (Schmiesing et al. 2017. PubMed ID: 28062662). Other missense variants affecting the same amino acid (p.Pro278Arg, p.Pro278Leu) have also been reported in individuals with glutaric acidemia type I (Viau et al. 2012. PubMed ID: 22728054; Table S2, Schuurmans et al. 2023. PubMed ID: 37020324). These missense variants have been scored to be "potential low excretor" (Table S1, Schuurmans et al. 2023. PubMed ID: 37020324). This variant is reported in 0.00089% of alleles in individuals of European (non-Finnish) descent in gnomAD. This variant is interpreted as likely pathogenic.

Myriad Genetics, Inc.
Classification: Likely pathogenic for Glutaric aciduria, type 1. Last evaluated: 2024-10-25. Review status: criteria provided, single submitter. Criteria: Myriad Autosomal Dominant, Autosomal Recessive and X-Linked Classification Criteria (2023). Collection method: clinical testing. Allele origin: unknown.
Comment: NM_000159.2(GCDH):c.832C>T(P278S) is a missense variant classified as likely pathogenic in the context of glutaric acidemia, GCDH-related. P278S has been observed in cases with relevant disease (PMID: 15505393, 29665094). Relevant functional assessments of this variant are available in the literature (PMID: 28062662, 37078465). P278S has been observed in referenced population frequency databases. In summary, NM_000159.2(GCDH):c.832C>T(P278S) is a missense variant that has functional support for pathogenicity and has been observed more frequently in cases with the relevant disease than in healthy populations. Please note: this variant was assessed in the context of healthy population screening.

Blueprint Genetics
Classification: Uncertain significance. Last evaluated: 2024-08-29. Review status: criteria provided, single submitter. Criteria: ACMG Guidelines, 2015. Collection method: clinical testing. Allele origin: germline.

Natera, Inc.
Classification: Likely pathogenic for Glutaric acidemia type 1. Last evaluated: 2024-07-16. Review status: criteria provided, single submitter. Criteria: Natera Variant Classification Schema (03/2026). Collection method: clinical testing. Allele origin: germline.
Comment: The c.832C>T variant in GCDH is a missense variant predicted to cause substitution of proline to serine at amino acid 278. This variant is rare in the general population with a frequency below the threshold expected for the associated phenotype(s). This variant has been observed in one or more individuals affected with the associated recessive disease, as either homozygous or compound heterozygous with a second variant (PMID: 15505393, 9600243, 28062662, 29665094). A different variant at the same position has been determined to be Pathogenic or Likely Pathogenic. Computational prediction algorithms indicate this variant is likely to affect gene or protein function. Given the available evidence, this variant is classified as Likely Pathogenic.

Labcorp Genetics (formerly Invitae), Labcorp
Classification: Pathogenic for Glutaric aciduria, type 1. Last evaluated: 2023-09-15. Review status: criteria provided, single submitter. Criteria: Invitae Variant Classification Sherloc (09022015). Collection method: clinical testing. Allele origin: germline.
Comment: This sequence change replaces proline, which is neutral and non-polar, with serine, which is neutral and polar, at codon 278 of the GCDH protein (p.Pro278Ser). This variant is present in population databases (rs751742575, gnomAD 0.0009%). For these reasons, this variant has been classified as Pathogenic. This variant disrupts the p.Pro278 amino acid residue in GCDH. Other variant(s) that disrupt this residue have been observed in individuals with GCDH-related conditions (PMID: 9600243, 15505393, 22728054), which suggests that this may be a clinically significant amino acid residue. Experimental studies have shown that this missense change does not substantially affect GCDH function (PMID: 28062662). Advanced modeling of protein sequence and biophysical properties (such as structural, functional, and spatial information, amino acid conservation, physicochemical variation, residue mobility, and thermodynamic stability) performed at Invitae indicates that this missense variant is not expected to disrupt GCDH protein function. ClinVar contains an entry for this variant (Variation ID: 643053). This missense change has been observed in individual(s) with glutaric aciduria type I (PMID: 9600243, 15505393, 29665094).

CeGaT Center for Human Genetics Tuebingen
Classification: Uncertain significance. Last evaluated: 2023-01-01. Review status: criteria provided, single submitter. Criteria: CeGaT Center For Human Genetics Tuebingen Variant Classification Criteria Version 2. Collection method: clinical testing. Allele origin: germline. Affected: yes. Observed: 1 variant allele.
Comment: GCDH: PM2

Women's Health and Genetics/Laboratory Corporation of America, LabCorp
Classification: Likely pathogenic for Glutaric aciduria, type 1. Last evaluated: 2022-10-15. Review status: criteria provided, single submitter. Criteria: LabCorp Variant Classification Summary - May 2015. Collection method: clinical testing. Allele origin: germline.
Comment: Variant summary: GCDH c.832C>T (p.Pro278Ser) results in a non-conservative amino acid change in the encoded protein sequence. Five of five in-silico tools predict a damaging effect of the variant on protein function. The variant allele was found at a frequency of 4e-06 in 249044 control chromosomes. c.832C>T has been reported in the literature as a presumed compound heterozygous genotype in at-least two individuals affected with low excretor subtype of Glutaric Acidemia Type 1 who have been subsequently cited by others (example, Schwartz_1998, Zschocke_2000, Christensen_2004, Schmiesing_2017). These data indicate that the variant may be associated with disease. At least one publication reports experimental evidence evaluating an impact on protein function (example, Schmiesing_2017). The most pronounced variant effect results in a moderate decrease in GCDH protein stability (10-26%) with no observed impact on GCDH protein expression, no effect on GCDH homo oligomerization, no effect on interaction with electron transfer flavoprotein subunit beta (ETFB) or dihydrolipoamide S-succinyltransferase (DLST). Three clinical diagnostic laboratories have submitted clinical-significance assessments for this variant to ClinVar after 2014 (Pathogenic/Likely pathogenic, n=2; VUS, n=1). Based on the evidence outlined above, the variant was classified as likely pathogenic.

Literature cited by the submitters: PubMed 15505393 (cited by 4 submitters); PubMed 28062662 (cited by 4 submitters); PubMed 29665094 (cited by 3 submitters); PubMed 37078465 (cited by Myriad Genetics, Inc.); PubMed 9600243 (cited by 3 submitters); PubMed 22728054 (cited by Labcorp Genetics (formerly Invitae), Labcorp); PubMed 10699052 (cited by Women's Health and Genetics/Laboratory Corporation of America, LabCorp); PubMed 28389991 (cited by Women's Health and Genetics/Laboratory Corporation of America, LabCorp).

NM_000159.4(GCDH):c.832C>T (p.Pro278Ser)

Gene: GCDH (glutaryl-CoA dehydrogenase; plus strand). Cytogenetic location: 19p13.13.
Variant type: single nucleotide variant.
Coding change: c.832C>T on transcript NM_000159.4 (MANE Select); coding-DNA position 832, C replaced by T.
Protein change: p.Pro278Ser; replaces proline 278 with serine.
Molecular consequence: missense variant. On other transcripts: non-coding transcript variant (2).
Genome position (GRCh38, 1-based): chr19:12,896,401, C>T. VCF-style: chr19-12896401-C-T. GRCh37 (hg19) VCF-style: chr19-13007215-C-T.
Other names: c.832C>T, p.Pro278Ser (NM_013976.5); short protein forms P278S.
Identifiers: ClinVar variation 643053 (VCV000643053.44), dbSNP rs751742575, ClinGen allele CA9234499.